The following is an entry in ClinVar:

ClinVar aggregate classification (germline): Conflicting classifications of pathogenicity. Review status: criteria provided, conflicting classifications (1 of 4 stars). 3 submissions from 3 submitters: Uncertain significance (1); Likely benign (1). 1 of the submissions does not count toward it. Last evaluated 2020-08-27.

Conditions:
TTN-related disorder. Also called: TTN-related disorders; TTN-related condition; TTN-related disease.
Cardiovascular phenotype. Identifiers: MedGen CN230736.

Allele frequency attached by ClinVar (database versions not stated): gnomAD 0.00001; ExAC 0.00002; gnomAD exomes 0.00002 and 0.00005; TOPMed 0.00002.
gnomAD v4.1: 71 of 1,613,118 alleles (0.0044%); highest among the groups gnomAD compares: South Asian, 0.0066%; no homozygotes.

Submissions (3):

GeneDx
Classification: Likely benign. Last evaluated: 2020-08-27. Review status: criteria provided, single submitter. Criteria: GeneDx Variant Classification Process June 2021. Collection method: clinical testing. Allele origin: germline. Affected: yes.

Ambry Genetics
Classification: Uncertain significance for Cardiovascular phenotype. Last evaluated: 2015-06-11. Review status: criteria provided, single submitter. Criteria: Ambry Variant Classification Scheme 2023. Collection method: clinical testing. Allele origin: germline.
Comment: The p.A13630T variant (also known as c.40888G>A), located in coding exon 147 of the TTN gene, results from a G to A substitution at nucleotide position 40888. The alanine at codon 13630 is replaced by threonine, an amino acid with some similar properties. Based on data from ExAC, the A allele was reported in 2 of 120,472 total alleles (Exome Aggregation Consortium (ExAC), Cambridge, MA (URL) [Accessed June 11, 2015]). This variant was not reported in population based cohorts in the following databases: Database of Single Nucleotide Polymorphisms (dbSNP), NHLBI Exome Sequencing Project (ESP), and 1000 Genomes Project. In the ESP, this variant was not observed in 6137 samples (12274 alleles) with coverage at this position. This amino acid position is highly conserved in available vertebrate species, except threonine is the reference amino acid in rat. In addition, this alteration is predicted to be tolerated by in silico analysis. Since supporting evidence is limited at this time, the clinical significance of this variant remains unclear.

PreventionGenetics, part of Exact Sciences
Classification: Uncertain significance for TTN-related condition. Last evaluated: 2023-12-16. Review status: no assertion criteria provided. Collection method: clinical testing. Allele origin: germline. Not counted in ClinVar's aggregate classification.
Comment: The TTN c.68083G>A variant is predicted to result in the amino acid substitution p.Ala22695Thr. To our knowledge, this variant has not been reported in the literature. This variant is reported in 0.0065% of alleles in individuals of South Asian descent in gnomAD. At this time, the clinical significance of this variant is uncertain due to the absence of conclusive functional and genetic evidence.

NM_001267550.2(TTN):c.68083G>A (p.Ala22695Thr)

Genes: TTN (titin; minus strand), TTN-AS1 (TTN antisense RNA 1; plus strand), LOC126806423 (CDK7 strongly-dependent group 2 enhancer GRCh37_chr2:179443309-179444508; plus strand). Cytogenetic location: 2q31.2.
Variant type: single nucleotide variant.
Coding change: c.68083G>A on transcript NM_001267550.2 (MANE Select); coding-DNA position 68083, G replaced by A.
Protein change: p.Ala22695Thr; replaces alanine 22695 with threonine.
Molecular consequence: missense variant.
Genome position (GRCh38, 1-based): chr2:178,578,947, C>T on the plus strand (G>A on the coding strand, the complement: TTN is on the minus strand). VCF-style: chr2-178578947-C-T. GRCh37 (hg19) VCF-style: chr2-179443674-C-T.
Other names: c.63160G>A, p.Ala21054Thr (NM_001256850.1); c.40888G>A, p.Ala13630Thr (NM_003319.4); c.60379G>A, p.Ala20127Thr (NM_133378.4); c.41263G>A, p.Ala13755Thr (NM_133432.3); c.41464G>A, p.Ala13822Thr (NM_133437.4); short protein forms A13630T, A22695T, A13755T, A13822T, A21054T, A20127T.
Identifiers: ClinVar variation 264080 (VCV000264080.22), dbSNP rs767279296, ClinGen allele CA1991186.